The following is an entry in ClinVar:

NM_000059.4(BRCA2):c.7008-1390A>G

Gene: BRCA2 (BRCA2 DNA repair associated; plus strand). Cytogenetic location: 13q13.1.
Variant type: single nucleotide variant.
Coding change: c.7008-1390A>G on transcript NM_000059.4 (MANE Select); 1390 bases into the intron before coding-DNA position 7008, A replaced by G.
Molecular consequence: intron variant.
Genome position (GRCh38, 1-based): chr13:32,353,471, A>G. VCF-style: chr13-32353471-A-G. GRCh37 (hg19) VCF-style: chr13-32927608-A-G.
Identifiers: ClinVar variation 264922 (VCV000264922.1), dbSNP rs61946965, ClinGen allele CA10588117.

ClinVar aggregate classification (germline): Benign (3 of 4 stars; one submission).

Conditions:
Breast-ovarian cancer, familial, susceptibility to, 2 (BROVCA2). Also called: BRCA2 Hereditary Breast and Ovarian Cancer. Identifiers: Orphanet 145, MedGen C2675520, MONDO:0012933, OMIM 612555. Disease mechanism: loss of function.

Allele frequency attached by ClinVar (database versions not stated): gnomAD 0.00001; 1000 Genomes Project 0.24221.
gnomAD v4.1: 1 of 151,998 alleles (0.00066%); highest among the groups gnomAD compares: Non-Finnish European, 0.0015%; no homozygotes.

Submission:

Evidence-based Network for the Interpretation of Germline Mutant Alleles (ENIGMA)
Classification: Benign for Breast-ovarian cancer, familial, susceptibility to, 2. Last evaluated: 2016-09-28. Review status: reviewed by expert panel. Criteria: ENIGMA BRCA1/2 Classification Criteria (2015). Collection method: curation. Allele origin: germline.
Comment: Class 1 not pathogenic based on frequency >1% in an outbred sampleset. Frequency 0.2087 (European), 0.2428 (African), 0.2003 (Admixed American/Latino), 0.369 (East Asian), 0.1748 (South Asian), derived from 1000 genomes (2013-05-02).